The following is an entry in ClinVar:

NC_000016.10:g.(89758706_89761948)_(89775816_89778800)del

Gene: FANCA (FA complementation group A; minus strand). Cytogenetic location: 16q24.3.
Variant type: Deletion.
Identifiers: ClinVar variation 974131 (VCV000974131.1).

ClinVar aggregate classification (germline): Pathogenic (0 of 4 stars; one submission).

Conditions:
Fanconi anemia complementation group A (FANCA). Also called: Fanconi anemia, group A; FANCA-Related Fanconi Anemia. Identifiers: Orphanet 84, MedGen C3469521, MONDO:0009215, OMIM 227650.

Submission:

Leiden Open Variation Database
Classification: Pathogenic for Fanconi anemia complementation group A. Last evaluated: 2020-02-28. Review status: no assertion criteria provided. Collection method: curation. Allele origin: germline. Affected: yes.
Comment: Curator: Arleen D. Auerbach. Submitter to LOVD: Arleen D. Auerbach.

Literature cited by the submitters: PubMed 21273304.